The following is an entry in ClinVar:

NM_207037.2(TCF12):c.1582+7A>G

Gene: TCF12 (transcription factor 12; plus strand). Cytogenetic location: 15q21.3.
Variant type: single nucleotide variant.
Coding change: c.1582+7A>G on transcript NM_207037.2 (MANE Select); 7 bases into the intron after coding-DNA position 1582, A replaced by G.
Molecular consequence: intron variant.
Genome position (GRCh38, 1-based): chr15:57,262,215, A>G. VCF-style: chr15-57262215-A-G. GRCh37 (hg19) VCF-style: chr15-57554413-A-G.
Other names: c.1582+7A>G (NM_001322151.2, NM_001322159.3, NM_001322152.2 and 2 more transcripts); c.1510+7A>G (NM_001322157.3, NM_003205.4, NM_207038.2 and 1 more transcripts); c.1408+7A>G (NM_001322156.2); c.1336+7A>G (NM_001322158.2); c.925+7A>G (NM_001322154.2); c.1579+7A>G (NM_001322161.2); c.1546+7A>G (NM_001322164.2); c.1072+7A>G (NM_001306219.3); and 2 more.
Identifiers: ClinVar variation 773858 (VCV000773858.11), dbSNP rs142239305, ClinGen allele CA7581297.

ClinVar aggregate classification (germline): Benign. Review status: criteria provided, multiple submitters, no conflicts (2 of 4 stars). 2 submissions from 2 submitters: Benign (2). Last evaluated 2025-05-11.

Conditions:
TCF12-related disorder. Also called: TCF12-related condition.

Allele frequency attached by ClinVar (database versions not stated): ExAC 0.00251; gnomAD exomes 0.00254; 1000 Genomes Project 0.00479; 1000 Genomes Project 30x 0.00484; gnomAD 0.00066 and 0.00096; TOPMed 0.00122.
gnomAD v4.1: 980 of 1,573,404 alleles (0.062%); highest among the groups gnomAD compares: East Asian, 1.9%; 14 homozygotes.

Submissions (2):

PreventionGenetics, part of Exact Sciences
Classification: Benign for TCF12-related condition. Last evaluated: 2025-05-11. Review status: criteria provided, single submitter. Criteria: ACMG Guidelines, 2015. Collection method: clinical testing. Allele origin: germline.
Comment: This variant is classified as benign based on ACMG/AMP sequence variant interpretation guidelines (Richards et al. 2015 PMID: 25741868, with internal and published modifications).

Labcorp Genetics (formerly Invitae), Labcorp
Classification: Benign. Last evaluated: 2024-08-30. Review status: criteria provided, single submitter. Criteria: Invitae Variant Classification Sherloc (09022015). Collection method: clinical testing. Allele origin: germline.